The following is an entry in ClinVar:

ClinVar aggregate classification (germline): Uncertain significance. Review status: criteria provided, multiple submitters, no conflicts (2 of 4 stars). 3 submissions from 3 submitters: Uncertain significance (3). Last evaluated 2025-12-15.

Conditions:
TAB2-related disorder.
Inborn genetic diseases. Identifiers: MedGen C0950123, MeSH D030342.

gnomAD v4.1: 2 of 1,614,216 alleles (0.00012%); highest among the groups gnomAD compares: Admixed American, 0.0017%; no homozygotes.

Submissions (3):

PreventionGenetics, part of Exact Sciences
Classification: Uncertain significance for TAB2-related condition. Last evaluated: 2025-12-15. Review status: criteria provided, single submitter. Criteria: ACMG Guidelines, 2015. Collection method: clinical testing. Allele origin: germline.
Comment: The TAB2 c.1105A>G variant is predicted to result in the amino acid substitution p.Ile369Val. To our knowledge, this variant has not been reported in the literature. This variant is reported in 0.0029% of alleles in individuals of Latino descent in gnomAD. At this time, the clinical significance of this variant is uncertain due to the absence of conclusive functional and genetic evidence.

Labcorp Genetics (formerly Invitae), Labcorp
Classification: Uncertain significance. Last evaluated: 2024-08-26. Review status: criteria provided, single submitter. Criteria: Invitae Variant Classification Sherloc (09022015). Collection method: clinical testing. Allele origin: germline.
Comment: This sequence change replaces isoleucine, which is neutral and non-polar, with valine, which is neutral and non-polar, at codon 369 of the TAB2 protein (p.Ile369Val). This variant is present in population databases (no rsID available, gnomAD 0.003%). This variant has not been reported in the literature in individuals affected with TAB2-related conditions. Invitae Evidence Modeling of protein sequence and biophysical properties (such as structural, functional, and spatial information, amino acid conservation, physicochemical variation, residue mobility, and thermodynamic stability) indicates that this missense variant is not expected to disrupt TAB2 protein function with a negative predictive value of 80%. In summary, the available evidence is currently insufficient to determine the role of this variant in disease. Therefore, it has been classified as a Variant of Uncertain Significance.

Ambry Genetics
Classification: Uncertain significance for Inborn genetic diseases. Last evaluated: 2024-05-20. Review status: criteria provided, single submitter. Criteria: Ambry Variant Classification Scheme 2023. Collection method: clinical testing. Allele origin: germline.

NM_001292034.3(TAB2):c.1105A>G (p.Ile369Val)

Genes: TAB2 (TGF-beta activated kinase 1 (MAP3K7) binding protein 2; plus strand), LOC126859827 (BRD4-independent group 4 enhancer GRCh37_chr6:149699707-149700906; plus strand). Cytogenetic location: 6q25.1.
Variant type: single nucleotide variant.
Coding change: c.1105A>G on transcript NM_001292034.3 (MANE Select); coding-DNA position 1105, A replaced by G.
Protein change: p.Ile369Val; replaces isoleucine 369 with valine.
Molecular consequence: missense variant.
Genome position (GRCh38, 1-based): chr6:149,379,020, A>G. VCF-style: chr6-149379020-A-G. GRCh37 (hg19) VCF-style: chr6-149700156-A-G.
Other names: c.1105A>G (NM_015093.5); c.1009A>G, p.Ile337Val (NM_001292035.3); c.1105A>G, p.Ile369Val (NM_001369506.1, NM_015093.6); short protein forms I337V, I369V.
Identifiers: ClinVar variation 3324151 (VCV003324151.4).
Genomic context (GRCh38, chr6:149,379,020, plus strand): 5'-TCCAGCACTTCCTCTTCAGTCAATAGCCAGACCTTAAACAGAAATCAGCCCACTGTTTAC[A>G]TAGCTGCCAGCCCCCCAAATACGGATGAGCTGATGTCCCGTAGTCAACCTAAGGTCTATA-3'
Protein context (NP_001278963.1, residues 359-379): TLNRNQPTVY[Ile369Val]AASPPNTDEL